The following is an entry in ClinVar:

NM_138387.4(G6PC3):c.908C>G (p.Pro303Arg)

Gene: G6PC3 (glucose-6-phosphatase catalytic subunit 3; plus strand). Cytogenetic location: 17q21.31.
Variant type: single nucleotide variant.
Coding change: c.908C>G on transcript NM_138387.4 (MANE Select); coding-DNA position 908, C replaced by G.
Protein change: p.Pro303Arg; replaces proline 303 with arginine.
Molecular consequence: missense variant. On other transcripts: 3 prime UTR variant (1).
Genome position (GRCh38, 1-based): chr17:44,075,910, C>G. VCF-style: chr17-44075910-C-G. GRCh37 (hg19) VCF-style: chr17-42153278-C-G.
Other names: c.*201C>G (NM_001319945.2); c.563C>G, p.Pro188Arg (NM_001384165.1, NM_001384166.1, NM_001384167.1 and 1 more transcripts); short protein forms P303R, P188R.
Identifiers: ClinVar variation 5022088 (VCV005022088.1).

ClinVar aggregate classification (germline): Uncertain significance (1 of 4 stars; one submission).

Conditions:
Inborn genetic diseases. Identifiers: MedGen C0950123, MeSH D030342.

gnomAD v4.1: 2 of 1,613,126 alleles (0.00012%); highest among the groups gnomAD compares: Non-Finnish European, 0.00017%; no homozygotes.

Submission:

Ambry Genetics
Classification: Uncertain significance for Inborn genetic diseases. Last evaluated: 2026-06-28. Review status: criteria provided, single submitter. Criteria: Ambry Variant Classification Scheme 2023. Collection method: clinical testing. Allele origin: germline.
Comment: The p.P303R variant (also known as c.908C>G), located in coding exon 6 of the G6PC3 gene, results from a C to G substitution at nucleotide position 908. The proline at codon 303 is replaced by arginine, an amino acid with dissimilar properties. This amino acid position is conserved. In addition, the in silico prediction for this alteration is inconclusive. Based on the available evidence, the clinical significance of this variant remains unclear.